The following is an entry in ClinVar:

ClinVar aggregate classification (germline): Uncertain significance. Review status: criteria provided, multiple submitters, no conflicts (2 of 4 stars). 2 submissions from 2 submitters: Uncertain significance (2). Last evaluated 2025-04-29.

Conditions:
Inborn genetic diseases. Identifiers: MedGen C0950123, MeSH D030342.

Allele frequency attached by ClinVar (database versions not stated): gnomAD exomes below 0.00001.
gnomAD v4.1: 2 of 1,608,568 alleles (0.00012%); highest among the groups gnomAD compares: Admixed American, 0.0017%; no homozygotes.

Submissions (2):

Ambry Genetics
Classification: Uncertain significance for Inborn genetic diseases. Last evaluated: 2025-04-29. Review status: criteria provided, single submitter. Criteria: Ambry Variant Classification Scheme 2023. Collection method: clinical testing. Allele origin: germline.

Labcorp Genetics (formerly Invitae), Labcorp
Classification: Uncertain significance. Last evaluated: 2024-12-16. Review status: criteria provided, single submitter. Criteria: Invitae Variant Classification Sherloc (09022015). Collection method: clinical testing. Allele origin: germline.
Comment: This sequence change replaces alanine, which is neutral and non-polar, with threonine, which is neutral and polar, at codon 1884 of the DCHS1 protein (p.Ala1884Thr). This variant is not present in population databases (gnomAD no frequency). This variant has not been reported in the literature in individuals affected with DCHS1-related conditions. ClinVar contains an entry for this variant (Variation ID: 3009477). Invitae Evidence Modeling of protein sequence and biophysical properties (such as structural, functional, and spatial information, amino acid conservation, physicochemical variation, residue mobility, and thermodynamic stability) indicates that this missense variant is not expected to disrupt DCHS1 protein function with a negative predictive value of 80%. In summary, the available evidence is currently insufficient to determine the role of this variant in disease. Therefore, it has been classified as a Variant of Uncertain Significance.

NM_003737.4(DCHS1):c.5650G>A (p.Ala1884Thr)

Gene: DCHS1 (dachsous cadherin-related 1; minus strand). Cytogenetic location: 11p15.4.
Variant type: single nucleotide variant.
Coding change: c.5650G>A on transcript NM_003737.4 (MANE Select); coding-DNA position 5650, G replaced by A.
Protein change: p.Ala1884Thr; replaces alanine 1884 with threonine.
Molecular consequence: missense variant.
Genome position (GRCh38, 1-based): chr11:6,627,389, C>T on the plus strand (G>A on the coding strand, the complement: DCHS1 is on the minus strand). VCF-style: chr11-6627389-C-T. GRCh37 (hg19) VCF-style: chr11-6648620-C-T.
Other names: c.5650G>A (NM_003737.2); short protein forms A1884T.
Identifiers: ClinVar variation 3009477 (VCV003009477.4), dbSNP rs1171952660, ClinGen allele CA379393625.